The following is an entry in ClinVar:

NM_003482.4(KMT2D):c.13475A>G (p.Asp4492Gly)

Gene: KMT2D (lysine methyltransferase 2D; minus strand). Cytogenetic location: 12q13.12.
Variant type: single nucleotide variant.
Coding change: c.13475A>G on transcript NM_003482.4 (MANE Select); coding-DNA position 13475, A replaced by G.
Protein change: p.Asp4492Gly; replaces aspartic acid 4492 with glycine.
Molecular consequence: missense variant.
Genome position (GRCh38, 1-based): chr12:49,031,230, T>C on the plus strand (A>G on the coding strand, the complement: KMT2D is on the minus strand). VCF-style: chr12-49031230-T-C. GRCh37 (hg19) VCF-style: chr12-49425013-T-C.
Other names: short protein forms D4492G.
Identifiers: ClinVar variation 3705727 (VCV003705727.2).

ClinVar aggregate classification (germline): Uncertain significance (1 of 4 stars; one submission).

Conditions:
Kabuki syndrome. Also called: Kabuki make-up syndrome; NIIKAWA-KUROKI SYNDROME. Identifiers: Orphanet 2322, MedGen C0796004, MONDO:0016512.

Submission:

Labcorp Genetics (formerly Invitae), Labcorp
Classification: Uncertain significance for Kabuki syndrome. Last evaluated: 2025-12-01. Review status: criteria provided, single submitter. Criteria: Invitae Variant Classification Sherloc (09022015). Collection method: clinical testing. Allele origin: germline.
Comment: This sequence change replaces aspartic acid, which is acidic and polar, with glycine, which is neutral and non-polar, at codon 4492 of the KMT2D protein (p.Asp4492Gly). This variant is not present in population databases (gnomAD no frequency). This variant has not been reported in the literature in individuals affected with KMT2D-related conditions. ClinVar contains an entry for this variant (Variation ID: 3705727). Invitae Evidence Modeling of protein sequence and biophysical properties (such as structural, functional, and spatial information, amino acid conservation, physicochemical variation, residue mobility, and thermodynamic stability) indicates that this missense variant is not expected to disrupt KMT2D protein function with a negative predictive value of 95%. In summary, the available evidence is currently insufficient to determine the role of this variant in disease. Therefore, it has been classified as a Variant of Uncertain Significance.